The following is an entry in ClinVar:

NM_001330260.2(SCN8A):c.3304G>A (p.Glu1102Lys)

Gene: SCN8A (sodium voltage-gated channel alpha subunit 8; plus strand). Cytogenetic location: 12q13.13.
Variant type: single nucleotide variant.
Coding change: c.3304G>A on transcript NM_001330260.2 (MANE Select); coding-DNA position 3304, G replaced by A.
Protein change: p.Glu1102Lys; replaces glutamic acid 1102 with lysine.
Molecular consequence: missense variant.
Genome position (GRCh38, 1-based): chr12:51,769,267, G>A. VCF-style: chr12-51769267-G-A. GRCh37 (hg19) VCF-style: chr12-52163051-G-A.
Other names: c.3304G>A (NM_001330260.1); c.3304G>A, p.Glu1102Lys (NM_001177984.3, NM_001369788.1, NM_014191.4); short protein forms E1102K.
Identifiers: ClinVar variation 3704842 (VCV003704842.3).
Genomic context (GRCh38, chr12:51,769,267, plus strand): 5'-GACCACATGTCCTTCATCAACAACCCCAACTTGACTGTACGGGTACCCATTGCTGTGGGC[G>A]AGTCTGACTTTGAGAACCTCAACACAGAGGATGTTAGCAGCGAGTCGGATCCTGAAGGCA-3'
Protein context (NP_001317189.1, residues 1092-1112): LTVRVPIAVG[Glu1102Lys]SDFENLNTED

ClinVar aggregate classification (germline): Uncertain significance. Review status: criteria provided, multiple submitters, no conflicts (2 of 4 stars). 2 submissions from 2 submitters: Uncertain significance (2). Last evaluated 2026-03-16.

Conditions:
Early-infantile DEE. Also called: Early infantile epileptic encephalopathy with suppression bursts; Early infantile epileptic encephalopathy; Ohtahara syndrome. Identifiers: Orphanet 1934, MedGen C0393706, MONDO:0800491.

Submissions (2):

GeneDx
Classification: Uncertain significance. Last evaluated: 2026-03-16. Review status: criteria provided, single submitter. Criteria: GeneDx Variant Classification Process June 2021. Collection method: clinical testing. Allele origin: germline.
Comment: Not observed at significant frequency in large population cohorts (gnomAD); In silico analysis supports that this missense variant has a deleterious effect on protein structure/function; Has not been previously published as pathogenic or benign to our knowledge; This substitution is predicted to be within the cytoplasmic loop between the second and third homologous domains

Labcorp Genetics (formerly Invitae), Labcorp
Classification: Uncertain significance for Early-infantile DEE. Last evaluated: 2024-03-03. Review status: criteria provided, single submitter. Criteria: Invitae Variant Classification Sherloc (09022015). Collection method: clinical testing. Allele origin: germline.
Comment: This sequence change replaces glutamic acid, which is acidic and polar, with lysine, which is basic and polar, at codon 1102 of the SCN8A protein (p.Glu1102Lys). This variant is not present in population databases (gnomAD no frequency). This variant has not been reported in the literature in individuals affected with SCN8A-related conditions. Advanced modeling of protein sequence and biophysical properties (such as structural, functional, and spatial information, amino acid conservation, physicochemical variation, residue mobility, and thermodynamic stability) has been performed at Invitae for this missense variant, however the output from this modeling did not meet the statistical confidence thresholds required to predict the impact of this variant on SCN8A protein function. In summary, the available evidence is currently insufficient to determine the role of this variant in disease. Therefore, it has been classified as a Variant of Uncertain Significance.